The following is an entry in ClinVar:

NC_000009.12:g.35658019A>T

Gene: RMRP (RNA component of mitochondrial RNA processing endoribonuclease; minus strand). Cytogenetic location: 9p13.3.
Variant type: single nucleotide variant.
Genome position: GRCh38 VCF-style: chr9-35658019-A-T. GRCh37 (hg19) VCF-style: chr9-35658016-A-T.
Identifiers: ClinVar variation 2060753 (VCV002060753.2), dbSNP rs188190570, ClinGen allele CA192745740.

ClinVar aggregate classification (germline): Uncertain significance (1 of 4 stars; one submission).

Conditions:
Anauxetic dysplasia. Identifiers: Orphanet 93347, MedGen C1846796, MONDO:0011773.

Allele frequency attached by ClinVar (database versions not stated): 1000 Genomes Project 30x 0.00016.
gnomAD v4.1: 48 of 690,034 alleles (0.007%); highest among the groups gnomAD compares: African/African-American, 0.074%; no homozygotes.

Submission:

Labcorp Genetics (formerly Invitae), Labcorp
Classification: Uncertain significance for Anauxetic dysplasia. Last evaluated: 2024-11-18. Review status: criteria provided, single submitter. Criteria: Invitae Variant Classification Sherloc (09022015). Collection method: clinical testing. Allele origin: germline.
Comment: This variant occurs in the RMRP gene, which encodes an RNA molecule that does not result in a protein product. This variant is present in population databases (rs188190570, gnomAD 0.07%). This variant has not been reported in the literature in individuals affected with RMRP-related conditions. Experimental studies and prediction algorithms are not available or were not evaluated, and the functional significance of this variant is currently unknown. In summary, the available evidence is currently insufficient to determine the role of this variant in disease. Therefore, it has been classified as a Variant of Uncertain Significance.